The following is an entry in ClinVar:

ClinVar aggregate classification (germline): Uncertain significance (1 of 4 stars; one submission).

Conditions:
Neurodevelopmental disorder with dysmorphic facies and distal limb anomalies. Identifiers: Orphanet 686482, MedGen C4540327, MONDO:0060596, OMIM 617755.

Submission:

MGZ Medical Genetics Center
Classification: Uncertain significance for Neurodevelopmental disorder with dysmorphic facies and distal limb anomalies. Last evaluated: 2022-03-30. Review status: criteria provided, single submitter. Criteria: ACMG Guidelines, 2015. Collection method: clinical testing. Allele origin: germline. Affected: yes. Observed: 1 variant allele.
Comment: ACMG criteria applied: PM2_SUP, PP2, BP4

NM_182641.4(BPTF):c.769G>A (p.Gly257Ser)

Gene: BPTF (bromodomain PHD finger transcription factor; plus strand). Cytogenetic location: 17q24.2.
Variant type: single nucleotide variant.
Coding change: c.769G>A on transcript NM_182641.4 (MANE Select); coding-DNA position 769, G replaced by A.
Protein change: p.Gly257Ser; replaces glycine 257 with serine.
Molecular consequence: missense variant.
Genome position (GRCh38, 1-based): chr17:67,854,095, G>A. VCF-style: chr17-67854095-G-A. GRCh37 (hg19) VCF-style: chr17-65850211-G-A.
Other names: c.769G>A, p.Gly257Ser (NM_004459.7); short protein forms G257S.
Identifiers: ClinVar variation 1709265 (VCV001709265.2), dbSNP rs2510091809, ClinGen allele CA400719911.